The following is an entry in ClinVar:

NM_005751.5(AKAP9):c.9137G>A (p.Arg3046Gln)

Gene: AKAP9 (A-kinase anchoring protein 9; plus strand). Cytogenetic location: 7q21.2.
Variant type: single nucleotide variant.
Coding change: c.9137G>A on transcript NM_005751.5 (MANE Select); coding-DNA position 9137, G replaced by A.
Protein change: p.Arg3046Gln; replaces arginine 3046 with glutamine.
Molecular consequence: missense variant.
Genome position (GRCh38, 1-based): chr7:92,086,340, G>A. VCF-style: chr7-92086340-G-A. GRCh37 (hg19) VCF-style: chr7-91715654-G-A.
Other names: c.3782G>A, p.Arg1261Gln (NM_001379277.1); c.9113G>A, p.Arg3038Gln (NM_147185.3); short protein forms R1261Q, R3046Q, R3038Q.
Identifiers: ClinVar variation 1422252 (VCV001422252.10), dbSNP rs142831346, ClinGen allele CA4337666.

ClinVar aggregate classification (germline): Conflicting classifications of pathogenicity. Review status: criteria provided, conflicting classifications (1 of 4 stars). 2 submissions from 2 submitters: Uncertain significance (1); Likely benign (1). Last evaluated 2025-08-14.

Conditions:
Cardiovascular phenotype. Identifiers: MedGen CN230736.
Long QT syndrome (LQTS). Identifiers: MedGen C0023976, MeSH D008133, MONDO:0002442. Disease mechanism: loss of function. Inheritance: Various modes of inheritance.

Allele frequency attached by ClinVar (database versions not stated): gnomAD 0.00001; gnomAD exomes 0.00002 and 0.00005; ExAC 0.00007.
gnomAD v4.1: 33 of 1,613,790 alleles (0.002%); highest among the groups gnomAD compares: East Asian, 0.0045%; no homozygotes.

Submissions (2):

Labcorp Genetics (formerly Invitae), Labcorp
Classification: Uncertain significance for Long QT syndrome. Last evaluated: 2025-08-14. Review status: criteria provided, single submitter. Criteria: Invitae Variant Classification Sherloc (09022015). Collection method: clinical testing. Allele origin: germline.
Comment: This sequence change replaces arginine, which is basic and polar, with glutamine, which is neutral and polar, at codon 3046 of the AKAP9 protein (p.Arg3046Gln). This variant is present in population databases (rs142831346, gnomAD 0.007%). This variant has not been reported in the literature in individuals affected with AKAP9-related conditions. ClinVar contains an entry for this variant (Variation ID: 1422252). An algorithm developed to predict the effect of missense changes on protein structure and function outputs the following: PolyPhen-2: "Benign". The glutamine amino acid residue is found in multiple mammalian species, which suggests that this missense change does not adversely affect protein function. In summary, the available evidence is currently insufficient to determine the role of this variant in disease. Therefore, it has been classified as a Variant of Uncertain Significance.

Ambry Genetics
Classification: Likely benign for Cardiovascular phenotype. Last evaluated: 2019-02-25. Review status: criteria provided, single submitter. Criteria: Ambry Variant Classification Scheme 2023. Collection method: clinical testing. Allele origin: germline.